The following is an entry in ClinVar:

ClinVar aggregate classification (germline): Likely pathogenic (1 of 4 stars; one submission).

Conditions:
Hereditary glaucoma, primary closed-angle. Also called: Glaucoma, primary closed-angle. Identifiers: MedGen C5394374, MONDO:0030038, OMIM 618880.
Knobloch syndrome 1 (KNO1). Identifiers: MedGen C4551775, MONDO:0800167, OMIM 267750.

Submission:

Juno Genomics, Hangzhou Juno Genomics, Inc
Classification: Likely pathogenic for Hereditary glaucoma, primary closed-angle; Knobloch syndrome 1. Review status: criteria provided, single submitter. Criteria: ACMG Guidelines, 2015. Collection method: clinical testing. Allele origin: germline.
Comment: Null variant in a gene where loss of function (LOF) is a known mechanism of disease.;Absent from controls (or at extremely low frequency if recessive) in Genome Aggregation Database.

NM_001379500.1(COL18A1):c.804_829del (p.Ala269fs)

Gene: COL18A1 (collagen type XVIII alpha 1 chain; plus strand). Cytogenetic location: 21q22.3.
Variant type: Deletion.
Coding change: c.804_829del on transcript NM_001379500.1 (MANE Select); coding-DNA positions 804 to 829, 26 bases deleted (GGCCCTAAAACCCAGGCTCCCCGCGC).
Protein change: p.Ala269fs; shifts the reading frame from alanine 269.
Molecular consequence: frameshift variant.
Genome position (GRCh38, 1-based): chr21:45,476,356-45,476,381, GGCCCTAAAACCCAGGCTCCCCGCGC deleted; deleting any 26 consecutive bases within chr21:45,476,352-45,476,381 gives the same sequence; the c. name uses the placement nearest the transcript's 3' end. VCF-style (leftmost placement, unchanged base first): chr21-45476351-GGCGCGGCCCTAAAACCCAGGCTCCCC-G. GRCh37 (hg19) VCF-style: chr21-46896265-GGCGCGGCCCTAAAACCCAGGCTCCCC-G.
Other names: c.1344_1369del, p.Ala449fs (NM_030582.4); c.2049_2074del, p.Ala684fs (NM_130444.3); short protein forms A269fs, A449fs, A684fs.
Identifiers: ClinVar variation 5006425 (VCV005006425.2).
Genomic context (GRCh38, chr21:45,476,351, plus strand): 5'-CAAGTCTCCACCGGGCATCTGCCGGCCGAATAACAGGCCACCTCCCCTCTCGTCCTCCAG[GGCGCGGCCCTAAAACCCAGGCTCCCC>G]GCGCCACCCCCCGTCACCACGCCACCCTTGGCTGGAGGCAGCAGCACGGAAGATTCCAGA-3'